The following is an entry in ClinVar:

ClinVar aggregate classification (germline): Uncertain significance. Review status: criteria provided, multiple submitters, no conflicts (2 of 4 stars). 2 submissions from 2 submitters: Uncertain significance (2). Last evaluated 2024-09-25.

Conditions:
Neurofibromatosis, type 1 (NF1). Also called: Neurofibromatosis, type I; VON RECKLINGHAUSEN DISEASE; Peripheral type neurofibromatosis; NEUROFIBROMATOSIS, TYPE I, SOMATIC. Identifiers: Orphanet 636, MedGen C0027831, MONDO:0018975, OMIM 162200. Disease mechanism: loss of function.

Submissions (2):

Quest Diagnostics Nichols Institute San Juan Capistrano
Classification: Uncertain significance. Last evaluated: 2024-09-25. Review status: criteria provided, single submitter. Criteria: Quest Diagnostics criteria. Collection method: clinical testing. Allele origin: unknown.
Comment: The NF1 c.1292C>T (p.Ala431Val) variant has been observed in the published literature in a reportedly healthy individual (PMID: 33471991 (2021), see also LOVD). This variant has not been reported in large, multi-ethnic general populations (Genome Aggregation Database). Analysis of this variant using bioinformatics tools for the prediction of the effect of amino acid changes on protein structure and function yielded conflicting predictions that this variant is deleterious or benign. Based on the available information, we are unable to determine the clinical significance of this variant.

Labcorp Genetics (formerly Invitae), Labcorp
Classification: Uncertain significance for Neurofibromatosis, type 1. Last evaluated: 2024-08-23. Review status: criteria provided, single submitter. Criteria: Invitae Variant Classification Sherloc (09022015). Collection method: clinical testing. Allele origin: germline.
Comment: This sequence change replaces alanine, which is neutral and non-polar, with valine, which is neutral and non-polar, at codon 431 of the NF1 protein (p.Ala431Val). This variant is not present in population databases (gnomAD no frequency). This variant has not been reported in the literature in individuals affected with NF1-related conditions. Invitae Evidence Modeling of protein sequence and biophysical properties (such as structural, functional, and spatial information, amino acid conservation, physicochemical variation, residue mobility, and thermodynamic stability) indicates that this missense variant is not expected to disrupt NF1 protein function with a negative predictive value of 95%. In summary, the available evidence is currently insufficient to determine the role of this variant in disease. Therefore, it has been classified as a Variant of Uncertain Significance.

Literature cited by the submitters: PubMed 33471991 (cited by Quest Diagnostics Nichols Institute San Juan Capistrano).

NM_001042492.3(NF1):c.1292C>T (p.Ala431Val)

Gene: NF1 (neurofibromin 1; plus strand). Cytogenetic location: 17q11.2.
Variant type: single nucleotide variant.
Coding change: c.1292C>T on transcript NM_001042492.3 (MANE Select); coding-DNA position 1292, C replaced by T.
Protein change: p.Ala431Val; replaces alanine 431 with valine.
Molecular consequence: missense variant.
Genome position (GRCh38, 1-based): chr17:31,206,271, C>T. VCF-style: chr17-31206271-C-T. GRCh37 (hg19) VCF-style: chr17-29533289-C-T.
Other names: c.1292C>T, p.Ala431Val (NM_000267.4, NM_001128147.3); short protein forms A431V.
Identifiers: ClinVar variation 3572026 (VCV003572026.3).
Genomic context (GRCh38, chr17:31,206,271, plus strand): 5'-TCTTCCTATTGGTCTTTGTTTTTCTCTAGTCCGCATTGGATTGGTGGCCTAAGATTGATG[C>T]TGTGTATTGTCACTCGGTTGAACTTCGAAATATGTTTGGTGAAACACTTCATAAAGCAGT-3'
Protein context (NP_001035957.1, residues 421-441): SALDWWPKID[Ala431Val]VYCHSVELRN